The following is an entry in ClinVar:

NM_001205293.3(CACNA1E):c.6298T>G (p.Cys2100Gly)

Gene: CACNA1E (calcium voltage-gated channel subunit alpha1 E; plus strand). Cytogenetic location: 1q25.3.
Variant type: single nucleotide variant.
Coding change: c.6298T>G on transcript NM_001205293.3 (MANE Select); coding-DNA position 6298, T replaced by G.
Protein change: p.Cys2100Gly; replaces cysteine 2100 with glycine.
Molecular consequence: missense variant.
Genome position (GRCh38, 1-based): chr1:181,796,757, T>G. VCF-style: chr1-181796757-T-G. GRCh37 (hg19) VCF-style: chr1-181765893-T-G.
Other names: c.6169T>G, p.Cys2057Gly (NM_000721.4); c.6112T>G, p.Cys2038Gly (NM_001205294.2); short protein forms C2038G, C2057G, C2100G.
Identifiers: ClinVar variation 3766213 (VCV003766213.1).

ClinVar aggregate classification (germline): Uncertain significance (1 of 4 stars; one submission).

gnomAD v4.1: 8 of 1,613,220 alleles (0.0005%); highest among the groups gnomAD compares: Admixed American, 0.013%; no homozygotes.

Submission:

GeneDx
Classification: Uncertain significance. Last evaluated: 2024-08-23. Review status: criteria provided, single submitter. Criteria: GeneDx Variant Classification Process June 2021. Collection method: clinical testing. Allele origin: germline. Affected: yes.
Comment: Not observed at significant frequency in large population cohorts (gnomAD); In silico analysis supports that this missense variant has a deleterious effect on protein structure/function; Has not been previously published as pathogenic or benign to our knowledge